The following is an entry in ClinVar:

ClinVar aggregate classification (germline): Likely benign. Review status: criteria provided, multiple submitters, no conflicts (2 of 4 stars). 4 submissions from 4 submitters: Likely benign (4). Last evaluated 2026-01-12.

Conditions:
Cardiovascular phenotype. Identifiers: MedGen CN230736.
Dilated cardiomyopathy 1G (CMD1G). Identifiers: Orphanet 154, MedGen C1858763, MONDO:0011400, OMIM 604145.
Autosomal recessive limb-girdle muscular dystrophy type 2J (LGMDR10). Also called: Limb-girdle muscular dystrophy, type 2J; MUSCULAR DYSTROPHY, LIMB-GIRDLE, AUTOSOMAL RECESSIVE 10. Identifiers: Orphanet 140922, MedGen C1837342, MONDO:0012127, OMIM 608807.

Allele frequency attached by ClinVar (database versions not stated): TOPMed below 0.00001; gnomAD 0.00001; gnomAD exomes 0.00001.
gnomAD v4.1: 9 of 1,613,122 alleles (0.00056%); highest among the groups gnomAD compares: Non-Finnish European, 0.00076%; no homozygotes.

Submissions (4):

Labcorp Genetics (formerly Invitae), Labcorp
Classification: Likely benign for Dilated cardiomyopathy 1G; Autosomal recessive limb-girdle muscular dystrophy type 2J. Last evaluated: 2026-01-12. Review status: criteria provided, single submitter. Criteria: Invitae Variant Classification Sherloc (09022015). Collection method: clinical testing. Allele origin: germline.

Ambry Genetics
Classification: Likely benign for Cardiovascular phenotype. Last evaluated: 2020-09-02. Review status: criteria provided, single submitter. Criteria: Ambry Variant Classification Scheme 2023. Collection method: clinical testing. Allele origin: germline.

GeneDx
Classification: Likely benign. Last evaluated: 2018-07-13. Review status: criteria provided, single submitter. Criteria: GeneDx Variant Classification Process June 2021. Collection method: clinical testing. Allele origin: germline. Affected: yes.

Laboratory for Molecular Medicine, Mass General Brigham Personalized Medicine
Classification: Likely benign. Last evaluated: 2012-02-17. Review status: criteria provided, single submitter. Criteria: LMM Criteria. Collection method: clinical testing. Allele origin: germline. Observed: 1 variant allele.
Comment: Val11262Val in exon 175 of TTN: This variant is not expected to have clinical si gnificance because it does not alter an amino acid residue and is not located wi thin the splice consensus sequence. Val11262Val in exon 175 of TTN (allele freq uency = n/a)

NM_001267550.2(TTN):c.41490C>T (p.Val13830=)

Gene: TTN (titin; minus strand). Cytogenetic location: 2q31.2.
Variant type: single nucleotide variant.
Coding change: c.41490C>T on transcript NM_001267550.2 (MANE Select); coding-DNA position 41490, C replaced by T.
Protein change: p.Val13830=; no amino-acid change (valine 13830 retained).
Molecular consequence: synonymous variant.
Genome position (GRCh38, 1-based): chr2:178,636,081, G>A on the plus strand (C>T on the coding strand, the complement: TTN is on the minus strand). VCF-style: chr2-178636081-G-A. GRCh37 (hg19) VCF-style: chr2-179500808-G-A.
Other names: c.33786C>T, p.Val11262= (NM_133378.4); c.36567C>T, p.Val12189= (NM_001256850.1); c.14295C>T, p.Val4765= (NM_003319.4); c.14670C>T, p.Val4890= (NM_133432.3); c.14871C>T, p.Val4957= (NM_133437.4).
Identifiers: ClinVar variation 46945 (VCV000046945.18), dbSNP rs397517564, ClinGen allele CA139597.